The following is an entry in ClinVar:

NM_032608.7(MYO18B):c.6296C>T (p.Thr2099Met)

Gene: MYO18B (myosin XVIIIB; plus strand). Cytogenetic location: 22q12.1.
Variant type: single nucleotide variant.
Coding change: c.6296C>T on transcript NM_032608.7 (MANE Select); coding-DNA position 6296, C replaced by T.
Protein change: p.Thr2099Met; replaces threonine 2099 with methionine.
Molecular consequence: missense variant.
Genome position (GRCh38, 1-based): chr22:26,003,273, C>T. VCF-style: chr22-26003273-C-T. GRCh37 (hg19) VCF-style: chr22-26399239-C-T.
Other names: c.6299C>T, p.Thr2100Met (NM_001318245.2); short protein forms T2100M, T2099M.
Identifiers: ClinVar variation 1441886 (VCV001441886.8), dbSNP rs372586627, ClinGen allele CA10161481.

ClinVar aggregate classification (germline): Uncertain significance. Review status: criteria provided, multiple submitters, no conflicts (2 of 4 stars). 2 submissions from 2 submitters: Uncertain significance (2). Last evaluated 2024-11-04.

Conditions:
Klippel-Feil anomaly-myopathy-facial dysmorphism syndrome. Also called: Klippel-feil syndrome 4, autosomal recessive, with nemaline myopathy and facial dysmorphism; Klippel-Feil syndrome 4, autosomal recessive, with myopathy and facial dysmorphism. Identifiers: Orphanet 447974, MedGen C4225285, MONDO:0014689, OMIM 616549.

Allele frequency attached by ClinVar (database versions not stated): gnomAD exomes 0.00024 and 0.00013; ExAC 0.00043; gnomAD 0.00056 and 0.00052; 1000 Genomes Project 30x 0.00094; ESP Exome Variant Server 0.00056; TOPMed 0.00057; 1000 Genomes Project 0.00100.
gnomAD v4.1: 273 of 1,609,304 alleles (0.017%); highest among the groups gnomAD compares: African/African-American, 0.17%; 1 homozygote.

Submissions (2):

Labcorp Genetics (formerly Invitae), Labcorp
Classification: Uncertain significance. Last evaluated: 2024-11-04. Review status: criteria provided, single submitter. Criteria: Invitae Variant Classification Sherloc (09022015). Collection method: clinical testing. Allele origin: germline.
Comment: This sequence change replaces threonine, which is neutral and polar, with methionine, which is neutral and non-polar, at codon 2099 of the MYO18B protein (p.Thr2099Met). This variant is present in population databases (rs372586627, gnomAD 0.1%), including at least one homozygous and/or hemizygous individual. This variant has not been reported in the literature in individuals affected with MYO18B-related conditions. ClinVar contains an entry for this variant (Variation ID: 1441886). An algorithm developed to predict the effect of missense changes on protein structure and function (PolyPhen-2) suggests that this variant is likely to be disruptive. In summary, the available evidence is currently insufficient to determine the role of this variant in disease. Therefore, it has been classified as a Variant of Uncertain Significance.

Revvity Omics, Revvity
Classification: Uncertain significance for Klippel-Feil anomaly-myopathy-facial dysmorphism syndrome. Last evaluated: 2023-11-09. Review status: criteria provided, single submitter. Criteria: ACMG Guidelines, 2015. Collection method: clinical testing. Allele origin: germline.